The following is an entry in ClinVar:

NM_001077418.3(TMEM231):c.-12C>G

Gene: TMEM231 (transmembrane protein 231; minus strand). Cytogenetic location: 16q23.1.
Variant type: single nucleotide variant.
Coding change: c.-12C>G on transcript NM_001077418.3 (MANE Select); 12 bases upstream of the start codon, C replaced by G.
Molecular consequence: 5 prime UTR variant. On other transcripts: missense variant (1), non-coding transcript variant (1).
Genome position (GRCh38, 1-based): chr16:75,556,221, G>C on the plus strand (C>G on the coding strand, the complement: TMEM231 is on the minus strand). VCF-style: chr16-75556221-G-C. GRCh37 (hg19) VCF-style: chr16-75590119-G-C.
Other names: c.51C>G, p.Cys17Trp (NM_001077416.2); short protein forms C17W.
Identifiers: ClinVar variation 1422340 (VCV001422340.8), dbSNP rs745498623, ClinGen allele CA8176326.

ClinVar aggregate classification (germline): Uncertain significance. Review status: criteria provided, multiple submitters, no conflicts (2 of 4 stars). 3 submissions from 3 submitters: Uncertain significance (3). Last evaluated 2026-01-22.

Conditions:
Joubert syndrome 20 (JBTS20). Identifiers: Orphanet 475, MedGen C3554235, MONDO:0013994, OMIM 614970.
Meckel syndrome, type 11 (MKS11). Identifiers: Orphanet 564, MedGen C3809352, MONDO:0014164, OMIM 615397.

Allele frequency attached by ClinVar (database versions not stated): gnomAD 0.00002 and 0.00001; gnomAD exomes 0.00002; TOPMed 0.00002; 1000 Genomes Project 30x 0.00031.
gnomAD v4.1: 22 of 1,399,102 alleles (0.0016%); highest among the groups gnomAD compares: Admixed American, 0.0066%; no homozygotes.

Submissions (3):

GeneDx
Classification: Uncertain significance. Last evaluated: 2026-01-22. Review status: criteria provided, single submitter. Criteria: GeneDx Variant Classification Process June 2021. Collection method: clinical testing. Allele origin: germline.
Comment: Not observed at significant frequency in large population cohorts (gnomAD); In silico analysis does not support a benign or deleterious effect of this variant on protein structure/function; This variant is associated with the following publications: (PMID: 38184646)

Labcorp Genetics (formerly Invitae), Labcorp
Classification: Uncertain significance for Joubert syndrome 20; Meckel syndrome, type 11. Last evaluated: 2024-12-02. Review status: criteria provided, single submitter. Criteria: Invitae Variant Classification Sherloc (09022015). Collection method: clinical testing. Allele origin: germline.
Comment: This sequence change replaces cysteine, which is neutral and slightly polar, with tryptophan, which is neutral and slightly polar, at codon 17 of the TMEM231 protein (p.Cys17Trp). This variant is present in population databases (rs745498623, gnomAD 0.01%). This variant has not been reported in the literature in individuals affected with TMEM231-related conditions. ClinVar contains an entry for this variant (Variation ID: 1422340). Experimental studies and prediction algorithms are not available or were not evaluated, and the functional significance of this variant is currently unknown. In summary, the available evidence is currently insufficient to determine the role of this variant in disease. Therefore, it has been classified as a Variant of Uncertain Significance.

Fulgent Genetics
Classification: Uncertain significance for Joubert syndrome 20; Meckel syndrome, type 11. Last evaluated: 2024-03-05. Review status: criteria provided, single submitter. Criteria: ACMG Guidelines, 2015. Collection method: clinical testing. Allele origin: germline.